The following is an entry in ClinVar:

NM_015047.3(EMC1):c.256G>A (p.Ala86Thr)

Gene: EMC1 (ER membrane protein complex subunit 1; minus strand). Cytogenetic location: 1p36.13.
Variant type: single nucleotide variant.
Coding change: c.256G>A on transcript NM_015047.3 (MANE Select); coding-DNA position 256, G replaced by A.
Protein change: p.Ala86Thr; replaces alanine 86 with threonine.
Molecular consequence: missense variant. On other transcripts: intron variant (1).
Genome position (GRCh38, 1-based): chr1:19,243,980, C>T on the plus strand (G>A on the coding strand, the complement: EMC1 is on the minus strand). VCF-style: chr1-19243980-C-T. GRCh37 (hg19) VCF-style: chr1-19570474-C-T.
Other names: c.256G>A, p.Ala86Thr (NM_001271427.2, NM_001271428.2, NM_001375820.1 and 1 more transcripts); c.221-273G>A (NM_001271429.2); short protein forms A86T.
Identifiers: ClinVar variation 2001673 (VCV002001673.4), dbSNP rs2536808467, ClinGen allele CA338773106.

ClinVar aggregate classification (germline): Uncertain significance (1 of 4 stars; one submission).

Submission:

Labcorp Genetics (formerly Invitae), Labcorp
Classification: Uncertain significance. Last evaluated: 2022-10-24. Review status: criteria provided, single submitter. Criteria: Invitae Variant Classification Sherloc (09022015). Collection method: clinical testing. Allele origin: germline.
Comment: This sequence change replaces alanine, which is neutral and non-polar, with threonine, which is neutral and polar, at codon 86 of the EMC1 protein (p.Ala86Thr). This variant is not present in population databases (gnomAD no frequency). In summary, the available evidence is currently insufficient to determine the role of this variant in disease. Therefore, it has been classified as a Variant of Uncertain Significance. Advanced modeling of protein sequence and biophysical properties (such as structural, functional, and spatial information, amino acid conservation, physicochemical variation, residue mobility, and thermodynamic stability) performed at Invitae indicates that this missense variant is not expected to disrupt EMC1 protein function. This variant has not been reported in the literature in individuals affected with EMC1-related conditions.